The following is an entry in ClinVar:

NM_001184.4(ATR):c.872A>C (p.Tyr291Ser)

Gene: ATR (ATR checkpoint kinase; minus strand). Cytogenetic location: 3q23.
Variant type: single nucleotide variant.
Coding change: c.872A>C on transcript NM_001184.4 (MANE Select); coding-DNA position 872, A replaced by C.
Protein change: p.Tyr291Ser; replaces tyrosine 291 with serine.
Molecular consequence: missense variant.
Genome position (GRCh38, 1-based): chr3:142,562,530, T>G on the plus strand (A>C on the coding strand, the complement: ATR is on the minus strand). VCF-style: chr3-142562530-T-G. GRCh37 (hg19) VCF-style: chr3-142281372-T-G.
Other names: c.872A>C, p.Tyr291Ser (NM_001354579.2); short protein forms Y291S.
Identifiers: ClinVar variation 2447359 (VCV002447359.3), dbSNP rs2473426681, ClinGen allele CA354825113.
Genomic context (GRCh38, chr3:142,562,530, plus strand): 5'-CTATAAGCTTCTGCTTCAAAGGGAAATAGTGTCTTTATCAGCTTTGATAATGGCTCTTCA[T>G]AGAGTTTCAATTGGTCAGTATCCATTTCTACAAGGTGTTTTAATAATTCCAAAAATGAGC-3'
Protein context (NP_001175.2, residues 281-301): VEMDTDQLKL[Tyr291Ser]EEPLSKLIKT

ClinVar aggregate classification (germline): Uncertain significance. Review status: criteria provided, multiple submitters, no conflicts (2 of 4 stars). 2 submissions from 2 submitters: Uncertain significance (2). Last evaluated 2024-07-02.

Conditions:
Inborn genetic diseases. Identifiers: MedGen C0950123, MeSH D030342.

Submissions (2):

GeneDx
Classification: Uncertain significance. Last evaluated: 2024-07-02. Review status: criteria provided, single submitter. Criteria: GeneDx Variant Classification Process June 2021. Collection method: clinical testing. Allele origin: germline. Affected: yes.
Comment: Not observed at significant frequency in large population cohorts (gnomAD); In silico analysis indicates that this missense variant does not alter protein structure/function; Has not been previously published as pathogenic or benign to our knowledge

Ambry Genetics
Classification: Uncertain significance for Inborn genetic diseases. Last evaluated: 2023-01-14. Review status: criteria provided, single submitter. Criteria: Ambry Variant Classification Scheme 2023. Collection method: clinical testing. Allele origin: germline.
Comment: The p.Y291S variant (also known as c.872A>C), located in coding exon 4 of the ATR gene, results from an A to C substitution at nucleotide position 872. The tyrosine at codon 291 is replaced by serine, an amino acid with dissimilar properties. This amino acid position is conserved. In addition, the in silico prediction for this alteration is inconclusive. Since supporting evidence is limited at this time, the clinical significance of this alteration remains unclear.